The following is an entry in ClinVar:

ClinVar aggregate classification (germline): not provided (0 of 4 stars; one submission).

Allele frequency attached by ClinVar (database versions not stated): gnomAD exomes 0.00001.
gnomAD v4.1: 3 of 1,551,446 alleles (0.00019%); highest among the groups gnomAD compares: Non-Finnish European, 0.00026%; no homozygotes.

Submission:

ITMI
No classification provided. Condition: AllHighlyPenetrant. Last evaluated: 2013-09-19. Review status: no classification provided. Collection method: reference population. Allele origin: germline.
Comment: Please see associated publication for description of ethnicities

Literature cited by the submitters: PubMed 24728327.

NM_000135.4(FANCA):c.3983C>T (p.Thr1328Ile)

Genes: FANCA (FA complementation group A; minus strand), ZNF276 (zinc finger protein 276; plus strand). Cytogenetic location: 16q24.3.
Variant type: single nucleotide variant.
Coding change: c.3983C>T on transcript NM_000135.4 (MANE Select); coding-DNA position 3983, C replaced by T.
Protein change: p.Thr1328Ile; replaces threonine 1328 with isoleucine.
Molecular consequence: missense variant. On other transcripts: 3 prime UTR variant (2), non-coding transcript variant (4).
Genome position (GRCh38, 1-based): chr16:89,739,505, G>A on the plus strand (C>T on the coding strand, the complement: FANCA is on the minus strand). VCF-style: chr16-89739505-G-A. GRCh37 (hg19) VCF-style: chr16-89805913-G-A.
Other names: c.3983C>T, p.Thr1328Ile (NM_001286167.3); c.*1259G>A (NM_001113525.2, NM_152287.4); short protein forms T1328I.
Identifiers: ClinVar variation 134279 (VCV000134279.1), dbSNP rs587778320, ClinGen allele CA159340.